The following is an entry in ClinVar:

ClinVar aggregate classification (germline): Uncertain significance. Review status: criteria provided, multiple submitters, no conflicts (2 of 4 stars). 2 submissions from 2 submitters: Uncertain significance (2). Last evaluated 2022-08-27.

Conditions:
Autosomal recessive nonsyndromic hearing loss 1A (DFNB1A). Also called: GJB6-Related DFNB 1 Nonsyndromic Hearing Loss and Deafness; Deafness, autosomal recessive 1A; Connexin 26 deafness; Deafness nonsyndromic, Connexin 26 linked; Nonsyndromic Hearing Loss and Deafness, DFNB1; GJB2-Related Autosomal Recessive Nonsyndromic Hearing Loss. Identifiers: Orphanet 90636, MedGen C2673759, MONDO:0009076, OMIM 220290.
Autosomal recessive nonsyndromic hearing loss 1B. Also called: DEAFNESS, AUTOSOMAL RECESSIVE 1B. Identifiers: Orphanet 90636, MedGen C2675235, MONDO:0012977, OMIM 612645.
Hidrotic ectodermal dysplasia syndrome (GJB6). Also called: CLOUSTON HIDROTIC ECTODERMAL DYSPLASIA; ECTODERMAL DYSPLASIA 2, CLOUSTON TYPE; Ectodermal dysplasia 2, hidrotic; Autosomal dominant hidrotic ectodermal dysplasia; Clouston syndrome; Clouston's hidrotic ectodermal dysplasia. Identifiers: Orphanet 189, MedGen C0162361, MONDO:0007510, OMIM 129500.
Autosomal dominant nonsyndromic hearing loss 3B. Identifiers: Orphanet 90635, MedGen C2675237, MONDO:0012975, OMIM 612643.

Submissions (2):

Labcorp Genetics (formerly Invitae), Labcorp
Classification: Uncertain significance for Autosomal dominant nonsyndromic hearing loss 3B; Hidrotic ectodermal dysplasia syndrome; Autosomal recessive nonsyndromic hearing loss 1B; Autosomal recessive nonsyndromic hearing loss 1A. Last evaluated: 2022-08-27. Review status: criteria provided, single submitter. Criteria: Invitae Variant Classification Sherloc (09022015). Collection method: clinical testing. Allele origin: germline.
Comment: This sequence change replaces proline, which is neutral and non-polar, with histidine, which is basic and polar, at codon 232 of the GJB6 protein (p.Pro232His). This variant is not present in population databases (gnomAD no frequency). This variant has not been reported in the literature in individuals affected with GJB6-related conditions. ClinVar contains an entry for this variant (Variation ID: 285797). Algorithms developed to predict the effect of missense changes on protein structure and function are either unavailable or do not agree on the potential impact of this missense change (SIFT: "Deleterious"; PolyPhen-2: "Benign"; Align-GVGD: "Class C0"). In summary, the available evidence is currently insufficient to determine the role of this variant in disease. Therefore, it has been classified as a Variant of Uncertain Significance.

Eurofins Ntd Llc (ga)
Classification: Uncertain significance. Last evaluated: 2016-02-04. Review status: criteria provided, single submitter. Criteria: EGL Classification Definitions 2015. Collection method: clinical testing. Allele origin: germline. Observed: 1 variant allele, 1 heterozygote.

NM_001110219.3(GJB6):c.695C>A (p.Pro232His)

Gene: GJB6 (gap junction protein beta 6; minus strand). Cytogenetic location: 13q12.11.
Variant type: single nucleotide variant.
Coding change: c.695C>A on transcript NM_001110219.3 (MANE Select); coding-DNA position 695, C replaced by A.
Protein change: p.Pro232His; replaces proline 232 with histidine.
Molecular consequence: missense variant.
Genome position (GRCh38, 1-based): chr13:20,222,786, G>T on the plus strand (C>A on the coding strand, the complement: GJB6 is on the minus strand). VCF-style: chr13-20222786-G-T. GRCh37 (hg19) VCF-style: chr13-20796925-G-T.
Other names: c.695C>A, p.Pro232His (NM_001110220.3, NM_001110221.3, NM_001370090.1 and 3 more transcripts); short protein forms P232H.
Identifiers: ClinVar variation 285797 (VCV000285797.10), dbSNP rs752253778, ClinGen allele CA10605253.
Genomic context (GRCh38, chr13:20,222,786, plus strand): 5'-CCACTATCTGAAATCAGCTCATTCATTTCATTCTGCTTACTCTCCTTTAGGGCATGATTG[G>T]GGTGATTTTTTTGCGTCTGTGCTCTCTTTGATCTCCTAAAACACACTTTCAGCAGCAGGT-3'
Protein context (NP_001103689.1, residues 222-242): SKRAQTQKNH[Pro232His]NHALKESKQN